The following is an entry in ClinVar:

ClinVar aggregate classification (germline): Likely benign (1 of 4 stars; one submission).

Conditions:
LRRC45-related disorder. Also called: LRRC45-related condition.

Submission:

PreventionGenetics, part of Exact Sciences
Classification: Likely benign for LRRC45-related condition. Last evaluated: 2025-09-25. Review status: criteria provided, single submitter. Criteria: ACMG Guidelines, 2015. Collection method: clinical testing. Allele origin: germline.
Comment: This variant is classified as likely benign based on ACMG/AMP sequence variant interpretation guidelines (Richards et al. 2015 PMID: 25741868, with internal and published modifications).

NM_144999.4(LRRC45):c.768C>G (p.Ser256=)

Gene: LRRC45 (leucine rich repeat containing 45; plus strand). Cytogenetic location: 17q25.3.
Variant type: single nucleotide variant.
Coding change: c.768C>G on transcript NM_144999.4 (MANE Select); coding-DNA position 768, C replaced by G.
Protein change: p.Ser256=; no amino-acid change (serine 256 retained).
Molecular consequence: synonymous variant.
Genome position (GRCh38, 1-based): chr17:82,027,005, C>G. VCF-style: chr17-82027005-C-G. GRCh37 (hg19) VCF-style: chr17-79984881-C-G.
Identifiers: ClinVar variation 4995385 (VCV004995385.1).